The following is an entry in ClinVar:

ClinVar aggregate classification (germline): Uncertain significance. Review status: criteria provided, multiple submitters, no conflicts (2 of 4 stars). 6 submissions from 6 submitters: Uncertain significance (5). 1 of the submissions does not count toward it. Last evaluated 2025-11-19.

Conditions:
Arrhythmogenic right ventricular cardiomyopathy (ARVD). Also called: Arrhythmogenic cardiomyopathy; Arrhythmogenic Right Ventricular Cardiomyopathy (ARVC); Arrhythmogenic right ventricular dysplasia; Cardiomyopathy, ARVC. Identifiers: Orphanet 247, MedGen C0349788, MeSH D019571, MONDO:0016587. Disease mechanism: loss of function. Inheritance: Various modes of inheritance.
Arrhythmogenic right ventricular dysplasia 9 (ARVD9). Also called: Arrhythmogenic Right Ventricular Dysplasia/Cardiomyopathy 9; ARRHYTHMOGENIC RIGHT VENTRICULAR DYSPLASIA, FAMILIAL, 9. Identifiers: MedGen C1836906, MONDO:0012180, OMIM 609040.
PKP2-related disorder. Also called: PKP2-related condition.
Cardiovascular phenotype. Identifiers: MedGen CN230736.
Cardiomyopathy (CMYO). Also called: Cardiomyopathies. Identifiers: Orphanet 167848, MedGen C0878544, MONDO:0004994, HP:0001638. Inheritance: Various modes of inheritance.

Allele frequency attached by ClinVar (database versions not stated): ExAC 0.00002; gnomAD exomes 0.00002; TOPMed 0.00002; gnomAD 0.00004.

Submissions (6):

Color Diagnostics, LLC DBA Color Health
Classification: Uncertain significance for Cardiomyopathy. Last evaluated: 2025-11-19. Review status: criteria provided, single submitter. Criteria: ACMG Guidelines, 2015. Collection method: clinical testing. Allele origin: germline.
Comment: This missense variant replaces leucine with proline at codon 879 of the PKP2 protein. Computational prediction is inconclusive regarding the impact of this variant on protein structure and function. To our knowledge, functional studies have not been reported for this variant. This variant has been reported in two individuals affected with arrhythmogenic cardiomyopathy (PMID: 32659924, 33207704). One of them carried a pathogenic truncation variant in the DSP gene that could explain the observed phenotype. Moreover, the individual's mother and sibling who were carriers of the PKP2 variant were asymptomatic (PMID: 33207704). This variant has been identified in 16/1612808 chromosomes in the general population by the Genome Aggregation Database (gnomAD). The available evidence is insufficient to determine the role of this variant in disease conclusively. Therefore, this variant is classified as a Variant of Uncertain Significance.

Ambry Genetics
Classification: Uncertain significance for Cardiovascular phenotype. Last evaluated: 2025-10-09. Review status: criteria provided, single submitter. Criteria: Ambry Variant Classification Scheme 2023. Collection method: clinical testing. Allele origin: germline.
Comment: The p.L879P variant (also known as c.2636T>C), located in coding exon 14 of the PKP2 gene, results from a T to C substitution at nucleotide position 2636. The leucine at codon 879 is replaced by proline, an amino acid with similar properties. This variant was detected in individual(s) reported to have arrhythmogenic right ventricular cardiomyopathy (ARVC) or features that may be consistent with ARVC; however, clinical details were limited and/or co-occurring variants were also detected (Jensson BO et al. N Engl J Med, 2023 Nov;389:1741-1752; Kolokotronis K et al. J Clin Med, 2020 Jul;9; Chmielewski P et al. Diagnostics (Basel), 2020 Nov;10; Dries AM et al. Genet Med, 2021 Oct;23:1961-1968). Note, this variant is also referred to as p.Leu835Pro (c.2504T>C) in the literature. This amino acid position is highly conserved in available vertebrate species. In addition, the in silico prediction for this alteration is inconclusive. Based on the available evidence, the clinical significance of this variant remains unclear.

All of Us Research Program, National Institutes of Health
Classification: Uncertain significance for Arrhythmogenic right ventricular cardiomyopathy. Last evaluated: 2024-09-23. Review status: criteria provided, single submitter. Criteria: ACMG Guidelines, 2015. Collection method: clinical testing. Allele origin: germline. Inheritance: Autosomal dominant inheritance. Observed: 10 variant alleles, 10 heterozygotes.
Comment: This missense variant replaces leucine with proline at codon 879 of the PKP2 protein. Computational prediction is inconclusive regarding the impact of this variant on protein structure and function (internally defined REVEL score threshold 0.5 < inconclusive < 0.7, PMID: 27666373). To our knowledge, functional studies have not been reported for this variant. This variant has been reported in two individuals affected with arrhythmogenic cardiomyopathy (PMID: 32659924, 33207704). One of them carried a pathogenic truncation variant in the DSP gene that could explain the observed phenotype. Moreover, the individual's mother and sibling who were carriers of the PKP2 variant were asymptomatic (PMID: 33207704). This variant has been identified in 4/251464 chromosomes in the general population by the Genome Aggregation Database (gnomAD). The available evidence is insufficient to determine the role of this variant in disease conclusively. Therefore, this variant is classified as a Variant of Uncertain Significance.

This study involves interpretation of variants in research participants for the purpose of population health screening. Participant phenotype was not available at the time of variant classification. Additional details can be found in publication PMID: 35346344, PMCID: PMC8962531

Labcorp Genetics (formerly Invitae), Labcorp
Classification: Uncertain significance for Arrhythmogenic right ventricular dysplasia 9. Last evaluated: 2024-09-06. Review status: criteria provided, single submitter. Criteria: Invitae Variant Classification Sherloc (09022015). Collection method: clinical testing. Allele origin: germline.
Comment: This sequence change replaces leucine, which is neutral and non-polar, with proline, which is neutral and non-polar, at codon 879 of the PKP2 protein (p.Leu879Pro). This variant is present in population databases (rs775572104, gnomAD 0.004%). This missense change has been observed in individual(s) with clinical features of PKP2-related conditions (PMID: 32659924, 33207704). ClinVar contains an entry for this variant (Variation ID: 566033). An algorithm developed to predict the effect of missense changes on protein structure and function (PolyPhen-2) suggests that this variant is likely to be disruptive. In summary, the available evidence is currently insufficient to determine the role of this variant in disease. Therefore, it has been classified as a Variant of Uncertain Significance.

Blueprint Genetics
Classification: Uncertain significance. Last evaluated: 2022-09-20. Review status: criteria provided, single submitter. Criteria: ACMG Guidelines, 2015. Collection method: clinical testing. Allele origin: germline.

PreventionGenetics, part of Exact Sciences
Classification: Uncertain significance for PKP2-related condition. Last evaluated: 2024-08-21. Review status: no assertion criteria provided. Collection method: clinical testing. Allele origin: germline. Not counted in ClinVar's aggregate classification.
Comment: The PKP2 c.2636T>C variant is predicted to result in the amino acid substitution p.Leu879Pro. This variant has been reported in individuals with arrhythmogenic cardiomyopathy. However, in one of the individuals, a causative truncating variant in a different gene could explain the cardiac phenotypes (Kolokotronis et al. 2020. PubMed ID: 32659924; Chmielewski et al. 2020. PubMed ID: 33207704). This variant was also documented in individuals with unspecified cardiomyopathies, heart failure, or sudden cardiac death (Supplementary File 1, Dries et al. 2021. PubMed ID: 34120153; described as p.Leu835Pro in Table S16, Jensson et al. 2023. PubMed ID: 37937776). This variant is reported in 0.0046% of alleles in individuals of European (Finnish) descent in gnomAD. At this time, the clinical significance of this variant is uncertain due to the absence of conclusive functional and genetic evidence.

Literature cited by the submitters: PubMed 32659924 (cited by 4 submitters); PubMed 33207704 (cited by 4 submitters); PubMed 34120153 (cited by Ambry Genetics); PubMed 37937776 (cited by Ambry Genetics).

NM_001005242.3(PKP2):c.2504T>C (p.Leu835Pro)

Gene: PKP2 (plakophilin 2; minus strand). Cytogenetic location: 12p11.21.
Variant type: single nucleotide variant.
Coding change: c.2504T>C on transcript NM_001005242.3 (MANE Select); coding-DNA position 2504, T replaced by C.
Protein change: p.Leu835Pro; replaces leucine 835 with proline.
Molecular consequence: missense variant.
Genome position (GRCh38, 1-based): chr12:32,792,434, A>G on the plus strand (T>C on the coding strand, the complement: PKP2 is on the minus strand). VCF-style: chr12-32792434-A-G. GRCh37 (hg19) VCF-style: chr12-32945368-A-G.
Other names: c.2636T>C, p.Leu879Pro (NM_004572.4); short protein forms L879P, L835P.
Identifiers: ClinVar variation 566033 (VCV000566033.20), dbSNP rs775572104, ClinGen allele CA036398.
Genomic context (GRCh38, chr12:32,792,434, plus strand): 5'-GGTGTTTTCCTTTGGGGATTTTTGCAGCCGAGAATACTTTGTCATTTTCCTCAGTCTTTA[A>G]GGGAGTGGTAGGCTTTGGCAGTCCGGCTGTTGACAAAATCTGTCTTCTTAAACTGAGCCT-3'
Protein context (NP_001005242.2, residues 825-837): NSRTAKAYHS[Leu835Pro]KD